The following is an entry in ClinVar:

NM_003737.4(DCHS1):c.2459G>A (p.Arg820His)

Gene: DCHS1 (dachsous cadherin-related 1; minus strand). Cytogenetic location: 11p15.4.
Variant type: single nucleotide variant.
Coding change: c.2459G>A on transcript NM_003737.4 (MANE Select); coding-DNA position 2459, G replaced by A.
Protein change: p.Arg820His; replaces arginine 820 with histidine.
Molecular consequence: missense variant.
Genome position (GRCh38, 1-based): chr11:6,633,053, C>T on the plus strand (G>A on the coding strand, the complement: DCHS1 is on the minus strand). VCF-style: chr11-6633053-C-T. GRCh37 (hg19) VCF-style: chr11-6654284-C-T.
Other names: c.2459G>A (NM_003737.2); short protein forms R820H.
Identifiers: ClinVar variation 2167852 (VCV002167852.5), dbSNP rs149774310, ClinGen allele CA5860717.

ClinVar aggregate classification (germline): Uncertain significance. Review status: criteria provided, multiple submitters, no conflicts (2 of 4 stars). 2 submissions from 2 submitters: Uncertain significance (2). Last evaluated 2026-01-25.

Conditions:
Inborn genetic diseases. Identifiers: MedGen C0950123, MeSH D030342.

Allele frequency attached by ClinVar (database versions not stated): ExAC 0.00002; TOPMed 0.00004; gnomAD 0.00006; gnomAD exomes 0.00011; ESP Exome Variant Server 0.00015; 1000 Genomes Project 30x 0.00016; 1000 Genomes Project 0.00020.
gnomAD v4.1: 160 of 1,598,424 alleles (0.01%); highest among the groups gnomAD compares: Middle Eastern, 0.017%; no homozygotes.

Submissions (2):

Labcorp Genetics (formerly Invitae), Labcorp
Classification: Uncertain significance. Last evaluated: 2026-01-25. Review status: criteria provided, single submitter. Criteria: Invitae Variant Classification Sherloc (09022015). Collection method: clinical testing. Allele origin: germline.
Comment: This sequence change replaces arginine, which is basic and polar, with histidine, which is basic and polar, at codon 820 of the DCHS1 protein (p.Arg820His). This variant is present in population databases (rs149774310, gnomAD 0.008%). This variant has not been reported in the literature in individuals affected with DCHS1-related conditions. ClinVar contains an entry for this variant (Variation ID: 2167852). Invitae Evidence Modeling of protein sequence and biophysical properties (such as structural, functional, and spatial information, amino acid conservation, physicochemical variation, residue mobility, and thermodynamic stability) has been performed for this missense variant. However, the output from this modeling did not meet the statistical confidence thresholds required to predict the impact of this variant on DCHS1 protein function. In summary, the available evidence is currently insufficient to determine the role of this variant in disease. Therefore, it has been classified as a Variant of Uncertain Significance.

Ambry Genetics
Classification: Uncertain significance for Inborn genetic diseases. Last evaluated: 2021-06-06. Review status: criteria provided, single submitter. Criteria: Ambry Variant Classification Scheme 2023. Collection method: clinical testing. Allele origin: germline.